The following is an entry in ClinVar:

ClinVar aggregate classification (germline): Pathogenic (1 of 4 stars; one submission).

Conditions:
Hereditary breast ovarian cancer syndrome. Also called: Hereditary breast and/or ovarian cancer syndrome; Hereditary breast and ovarian cancer syndrome (HBOC); Breast and ovarian cancer; Hereditary breast and ovarian cancer syndrome; Hereditary breast and ovarian cancer; BRCA1- and BRCA2-Associated Hereditary Breast and Ovarian Cancer. Identifiers: Orphanet 145, MedGen C0677776, MeSH D061325, MONDO:0003582. Disease mechanism: loss of function.

Submission:

Labcorp Genetics (formerly Invitae), Labcorp
Classification: Pathogenic for Hereditary breast ovarian cancer syndrome. Last evaluated: 2024-09-10. Review status: criteria provided, single submitter. Criteria: Invitae Variant Classification Sherloc (09022015). Collection method: clinical testing. Allele origin: germline.
Comment: This sequence change creates a premature translational stop signal (p.Tyr1739*) in the BRCA2 gene. It is expected to result in an absent or disrupted protein product. Loss-of-function variants in BRCA2 are known to be pathogenic (PMID: 20104584). This variant is not present in population databases (gnomAD no frequency). This premature translational stop signal has been observed in individual(s) with breast and/or ovarian cancer (PMID: 11802209, 28888541). For these reasons, this variant has been classified as Pathogenic.

Literature cited by the submitters: PubMed 20104584; PubMed 11802209; PubMed 28888541.

NM_000059.4(BRCA2):c.5216_5217insAA (p.Tyr1739Ter)

Gene: BRCA2 (BRCA2 DNA repair associated; plus strand). Cytogenetic location: 13q13.1.
Variant type: Insertion.
Coding change: c.5216_5217insAA on transcript NM_000059.4 (MANE Select); coding-DNA positions 5216 to 5217, AA inserted.
Protein change: p.Tyr1739Ter; replaces tyrosine 1739 with a stop codon.
Molecular consequence: nonsense. On other transcripts: non-coding transcript variant (1), intron variant (2).
Genome position: GRCh38 VCF-style: chr13-32339570-T-TAA. GRCh37 (hg19) VCF-style: chr13-32913707-T-TAA.
Other names: c.5216_5217insAA, p.Tyr1739Ter (NM_001406719.1, NM_001406720.1); c.1910-4987_1910-4986insAA (NM_001406721.1); c.425-4987_425-4986insAA (NM_001406722.1); short protein forms Y1739*.
Identifiers: ClinVar variation 2703491 (VCV002703491.3), dbSNP rs886040578, ClinGen allele CA2697551797.